The following is an entry in ClinVar:

ClinVar aggregate classification (germline): Uncertain significance (1 of 4 stars; one submission).

Submission:

GeneDx
Classification: Uncertain significance. Last evaluated: 2024-12-18. Review status: criteria provided, single submitter. Criteria: GeneDx Variant Classification Process June 2021. Collection method: clinical testing. Allele origin: germline. Affected: yes.
Comment: Not observed at significant frequency in large population cohorts (gnomAD); In silico analysis indicates that this missense variant does not alter protein structure/function; Has not been previously published as pathogenic or benign to our knowledge

NM_001353345.2(SETD1B):c.2268G>A (p.Met756Ile)

Gene: SETD1B (SET domain containing 1B, histone lysine methyltransferase; plus strand). Cytogenetic location: 12q24.31.
Variant type: single nucleotide variant.
Coding change: c.2268G>A on transcript NM_001353345.2 (MANE Select); coding-DNA position 2268, G replaced by A.
Protein change: p.Met756Ile; replaces methionine 756 with isoleucine.
Molecular consequence: missense variant.
Genome position (GRCh38, 1-based): chr12:121,814,483, G>A. VCF-style: chr12-121814483-G-A. GRCh37 (hg19) VCF-style: chr12-122252389-G-A.
Other names: short protein forms M756I.
Identifiers: ClinVar variation 3906653 (VCV003906653.1).